The following is an entry in ClinVar:

NM_033641.4(COL4A6):c.3028A>C (p.Lys1010Gln)

Gene: COL4A6 (collagen type IV alpha 6 chain; minus strand). Cytogenetic location: Xq22.3.
Variant type: single nucleotide variant.
Coding change: c.3028A>C on transcript NM_033641.4 (MANE Select); coding-DNA position 3028, A replaced by C.
Protein change: p.Lys1010Gln; replaces lysine 1010 with glutamine.
Molecular consequence: missense variant.
Genome position (GRCh38, 1-based): chrX:108,174,550, T>G on the plus strand (A>C on the coding strand, the complement: COL4A6 is on the minus strand). VCF-style: chrX-108174550-T-G. GRCh37 (hg19) VCF-style: chrX-107417780-T-G.
Other names: c.3079A>C, p.Lys1027Gln (NM_001287758.2); c.3028A>C, p.Lys1010Gln (NM_001287759.2, NM_001287760.2); c.3031A>C, p.Lys1011Gln (NM_001847.4); short protein forms K1027Q, K1011Q, K1010Q.
Identifiers: ClinVar variation 2897109 (VCV002897109.3), dbSNP rs746055831, ClinGen allele CA10487517.
Genomic context (GRCh38, chrX:108,174,550, plus strand): 5'-GGCCAGGTAAGCCCCGGATTCCCATGAAGCCAGGGGGCCCTGGCTTTCCACTAACTCCTT[T>G]GATAATGCCTGGGAGGCCAGGAGCTCCAGGTAGGCCTGGTGGTCCAGGTCGACCAGCCTC-3'
Protein context (NP_378667.1, residues 1000-1020): PGAPGLPGII[Lys1010Gln]GVSGKPGPPG

ClinVar aggregate classification (germline): Uncertain significance (1 of 4 stars; one submission).

Allele frequency attached by ClinVar (database versions not stated): ExAC 0.00002; gnomAD exomes 0.00001.
gnomAD v4.1: 7 of 1,208,294 alleles (0.00058%); highest among the groups gnomAD compares: East Asian, 0.021%; no homozygotes.

Submission:

Labcorp Genetics (formerly Invitae), Labcorp
Classification: Uncertain significance. Last evaluated: 2025-12-31. Review status: criteria provided, single submitter. Criteria: Invitae Variant Classification Sherloc (09022015). Collection method: clinical testing. Allele origin: germline.
Comment: This sequence change replaces lysine, which is basic and polar, with glutamine, which is neutral and polar, at codon 1011 of the COL4A6 protein (p.Lys1011Gln). This variant is present in population databases (rs746055831, gnomAD 0.03%). This variant has not been reported in the literature in individuals affected with COL4A6-related conditions. ClinVar contains an entry for this variant (Variation ID: 2897109). Invitae Evidence Modeling of protein sequence and biophysical properties (such as structural, functional, and spatial information, amino acid conservation, physicochemical variation, residue mobility, and thermodynamic stability) indicates that this missense variant is not expected to disrupt COL4A6 protein function with a negative predictive value of 80%. In summary, the available evidence is currently insufficient to determine the role of this variant in disease. Therefore, it has been classified as a Variant of Uncertain Significance.